The following is an entry in ClinVar:

NM_000044.6(AR):c.2126G>T (p.Gly709Val)

Gene: AR (androgen receptor; plus strand). Cytogenetic location: Xq12.
Variant type: single nucleotide variant.
Coding change: c.2126G>T on transcript NM_000044.6 (MANE Select); coding-DNA position 2126, G replaced by T.
Protein change: p.Gly709Val; replaces glycine 709 with valine.
Molecular consequence: missense variant.
Genome position (GRCh38, 1-based): chrX:67,711,642, G>T. VCF-style: chrX-67711642-G-T. GRCh37 (hg19) VCF-style: chrX-66931484-G-T.
Other names: c.530G>T, p.Gly177Val (NM_001011645.3); short protein forms G177V, G709V.
Identifiers: ClinVar variation 1506100 (VCV001506100.9), dbSNP rs2147525149, ClinGen allele CA413423471.
Genomic context (GRCh38, chrX:67,711,642, plus strand): 5'-GACACGACAACAACCAGCCCGACTCCTTTGCAGCCTTGCTCTCTAGCCTCAATGAACTGG[G>T]AGAGAGACAGCTTGTACACGTGGTCAAGTGGGCCAAGGCCTTGCCTGGTAAGGAAAAGGG-3'
Protein context (NP_000035.2, residues 699-719): AALLSSLNEL[Gly709Val]ERQLVHVVKW

ClinVar aggregate classification (germline): Likely pathogenic (1 of 4 stars; one submission).

Conditions:
Kennedy disease (SMAX1). Also called: SPINAL AND BULBAR MUSCULAR ATROPHY, X-LINKED 1; KENNEDY SPINAL AND BULBAR MUSCULAR ATROPHY; Spinal and Bulbar Muscular Atrophy. Identifiers: Orphanet 481, MedGen C1839259, MONDO:0010735, OMIM 313200.
Androgen resistance syndrome (AIS). Also called: ANDROGEN RECEPTOR DEFICIENCY; DIHYDROTESTOSTERONE RECEPTOR DEFICIENCY; Androgen insensitivity; DHTR DEFICIENCY; TESTICULAR FEMINIZATION SYNDROME; Androgen insensitivity syndrome. Identifiers: Orphanet 754, Orphanet 99429, MedGen C0039585, MONDO:0019154, OMIM 300068. Disease mechanism: loss of function.

Submissions (2):

Labcorp Genetics (formerly Invitae), Labcorp
Classification: Likely pathogenic for Kennedy disease; Androgen resistance syndrome. Last evaluated: 2021-01-19. Review status: criteria provided, single submitter. Criteria: Invitae Variant Classification Sherloc (09022015). Collection method: clinical testing. Allele origin: germline.
Comment: This variant disrupts the p.Gly709 amino acid residue in AR. Other variant(s) that disrupt this residue have been observed in individuals with AR-related conditions (PMID: 10425033, 20671138, 7981687), which suggests that this may be a clinically significant amino acid residue. In summary, the currently available evidence indicates that the variant is pathogenic, but additional data are needed to prove that conclusively. Therefore, this variant has been classified as Likely Pathogenic. Algorithms developed to predict the effect of sequence changes on RNA splicing suggest that this variant may create or strengthen a splice site, but this prediction has not been confirmed by published transcriptional studies. Experimental studies have shown that this variant affects AR protein function (PMID: 12644579). This variant has been observed in individual(s) with androgen insensitivity syndrome (PMID: 10425033, Invitae). This variant is also known as p.Gly708Val. This variant is not present in population databases (ExAC no frequency). This sequence change replaces glycine with valine at codon 709 of the AR protein (p.Gly709Val). The glycine residue is highly conserved and there is a moderate physicochemical difference between glycine and valine.

Dr. Peter K. Rogan Lab, Western University
No classification provided (evidence only). Condition: Nonpapillary renal cell carcinoma. Review status: no classification provided. Collection method: in vitro. Allele origin: not applicable. Functional consequence: retained intron. Not counted in ClinVar's aggregate classification.

Literature cited by the submitters: PubMed 10425033 (cited by Labcorp Genetics (formerly Invitae), Labcorp); PubMed 20671138 (cited by Labcorp Genetics (formerly Invitae), Labcorp); PubMed 7981687 (cited by Labcorp Genetics (formerly Invitae), Labcorp); PubMed 12644579 (cited by Labcorp Genetics (formerly Invitae), Labcorp).